The following is an entry in ClinVar:

ClinVar aggregate classification (germline): Uncertain significance (1 of 4 stars; one submission).

Submission:

Women's Health and Genetics/Laboratory Corporation of America, LabCorp
Classification: Uncertain significance. Last evaluated: 2025-11-28. Review status: criteria provided, single submitter. Criteria: LabCorp Variant Classification Summary - May 2015. Collection method: clinical testing. Allele origin: germline.
Comment: Variant summary: HNF4A c.466G>A (p.Ala156Thr) results in a non-conservative amino acid change in the encoded protein sequence. Algorithms developed to predict the effect of missense changes on protein structure and function are either unavailable or do not agree on the potential impact of this missense change. The variant was absent in 251470 control chromosomes. The available data on variant occurrences in the general population are insufficient to allow any conclusion about variant significance. To our knowledge, no occurrence of c.466G>A in individuals affected with HNF4A-related conditions and no experimental evidence demonstrating its impact on protein function have been reported. No submitters have cited clinical-significance assessments for this variant to ClinVar. Based on the evidence outlined above, the variant was classified as uncertain significance.

NM_175914.5(HNF4A):c.466G>A (p.Ala156Thr)

Gene: HNF4A (hepatocyte nuclear factor 4 alpha; plus strand). Cytogenetic location: 20q13.12.
Variant type: single nucleotide variant.
Coding change: c.466G>A on transcript NM_175914.5 (MANE Select); coding-DNA position 466, G replaced by A.
Protein change: p.Ala156Thr; replaces alanine 156 with threonine.
Molecular consequence: missense variant.
Genome position (GRCh38, 1-based): chr20:44,414,546, G>A. VCF-style: chr20-44414546-G-A. GRCh37 (hg19) VCF-style: chr20-43043186-G-A.
Other names: c.532G>A, p.Ala178Thr (NM_000457.6, NM_178849.3, NM_178850.3); c.466G>A, p.Ala156Thr (NM_001030003.3, NM_001030004.3); c.511G>A, p.Ala171Thr (NM_001258355.2); c.457G>A, p.Ala153Thr (NM_001287182.2, NM_001287183.2, NM_001287184.2); short protein forms A153T, A156T, A171T, A178T.
Identifiers: ClinVar variation 4537308 (VCV004537308.1).